The following is an entry in ClinVar:

NM_002778.4(PSAP):c.589G>A (p.Val197Ile)

Gene: PSAP (prosaposin; minus strand). Cytogenetic location: 10q22.1.
Variant type: single nucleotide variant.
Coding change: c.589G>A on transcript NM_002778.4 (MANE Select); coding-DNA position 589, G replaced by A.
Protein change: p.Val197Ile; replaces valine 197 with isoleucine.
Molecular consequence: missense variant.
Genome position (GRCh38, 1-based): chr10:71,828,145, C>T on the plus strand (G>A on the coding strand, the complement: PSAP is on the minus strand). VCF-style: chr10-71828145-C-T. GRCh37 (hg19) VCF-style: chr10-73587902-C-T.
Other names: c.589G>A, p.Val197Ile (NM_001042465.3, NM_001042466.3); short protein forms V197I.
Identifiers: ClinVar variation 991970 (VCV000991970.4), dbSNP rs191952316, ClinGen allele CA5547719.
Genomic context (GRCh38, chr10:71,828,145, plus strand): 5'-TGGAGTTGGTCCGTACAGCAGTCTGGATGTCAGTCACCATCTGAATGCAGTCCTGGCAAA[C>T]GTCCCCATTATCCTACAGAAGAGGCAGTTAGGTTTGCAACTTAAGAGGACTCAAATTCCT-3'
Protein context (NP_002769.1, residues 187-207): SKPQPKDNGD[Val197Ile]CQDCIQMVTD

ClinVar aggregate classification (germline): Uncertain significance. Review status: criteria provided, multiple submitters, no conflicts (2 of 4 stars). 3 submissions from 3 submitters: Uncertain significance (2). 1 of the submissions does not count toward it. Last evaluated 2022-08-22.

Conditions:
Metachromatic leukodystrophy (MLD). Also called: METACHROMATIC LEUKOENCEPHALOPATHY; CEREBROSIDE SULFATASE DEFICIENCY; Cerebral sclerosis diffuse metachromatic form; Arylsulfatase A Deficiency; ARSA DEFICIENCY; SULFATIDE LIPIDOSIS. Identifiers: Orphanet 512, MedGen C0023522, MONDO:0018868, OMIM 250100.
Sphingolipid activator protein 1 deficiency. Also called: METACHROMATIC LEUKODYSTROPHY DUE TO CEREBROSIDE SULFATASE ACTIVATOR DEFICIENCY; Metachromatic leukodystrophy due to saposin B deficiency; Saposin B Deficiency. Identifiers: Orphanet 512, MedGen C0268262, MONDO:0009590, OMIM 249900.

Allele frequency attached by ClinVar (database versions not stated): gnomAD 0.00004; TOPMed 0.00007; 1000 Genomes Project 30x 0.00016; 1000 Genomes Project 0.00020.

Submissions (3):

Labcorp Genetics (formerly Invitae), Labcorp
Classification: Uncertain significance for Sphingolipid activator protein 1 deficiency. Last evaluated: 2022-08-22. Review status: criteria provided, single submitter. Criteria: Invitae Variant Classification Sherloc (09022015). Collection method: clinical testing. Allele origin: germline.
Comment: This sequence change replaces valine, which is neutral and non-polar, with isoleucine, which is neutral and non-polar, at codon 197 of the PSAP protein (p.Val197Ile). This variant is present in population databases (rs191952316, gnomAD 0.01%). This variant has not been reported in the literature in individuals affected with PSAP-related conditions. ClinVar contains an entry for this variant (Variation ID: 991970). Algorithms developed to predict the effect of missense changes on protein structure and function are either unavailable or do not agree on the potential impact of this missense change (SIFT: "Not Available"; PolyPhen-2: "Benign"; Align-GVGD: "Not Available"). In summary, the available evidence is currently insufficient to determine the role of this variant in disease. Therefore, it has been classified as a Variant of Uncertain Significance.

Blueprint Genetics
Classification: Uncertain significance. Last evaluated: 2019-07-30. Review status: criteria provided, single submitter. Criteria: ACMG Guidelines, 2015. Collection method: clinical testing. Allele origin: germline.

Natera, Inc.
Classification: Uncertain significance for Metachromatic leukodystrophy. Last evaluated: 2020-04-11. Review status: no assertion criteria provided. Collection method: clinical testing. Allele origin: germline. Not counted in ClinVar's aggregate classification.